The following is an entry in ClinVar:

ClinVar aggregate classification (germline): Uncertain significance (1 of 4 stars; one submission).

Conditions:
Baller-Gerold syndrome (BGS). Also called: CRANIOSYNOSTOSIS WITH RADIAL DEFECTS. Identifiers: Orphanet 1225, MedGen C0265308, MONDO:0009039, OMIM 218600.

Allele frequency attached by ClinVar (database versions not stated): gnomAD exomes below 0.00001; TOPMed below 0.00001; ExAC 0.00001; gnomAD 0.00001; ESP Exome Variant Server 0.00008.
gnomAD v4.1: 6 of 1,612,120 alleles (0.00037%); highest among the groups gnomAD compares: Non-Finnish European, 0.00051%; no homozygotes.

Submission:

Labcorp Genetics (formerly Invitae), Labcorp
Classification: Uncertain significance for Baller-Gerold syndrome. Last evaluated: 2024-06-30. Review status: criteria provided, single submitter. Criteria: Invitae Variant Classification Sherloc (09022015). Collection method: clinical testing. Allele origin: germline.
Comment: This sequence change replaces alanine, which is neutral and non-polar, with threonine, which is neutral and polar, at codon 607 of the RECQL4 protein (p.Ala607Thr). This variant is present in population databases (rs372075714, gnomAD 0.002%). This variant has not been reported in the literature in individuals affected with RECQL4-related conditions. Advanced modeling of protein sequence and biophysical properties (such as structural, functional, and spatial information, amino acid conservation, physicochemical variation, residue mobility, and thermodynamic stability) performed at Invitae indicates that this missense variant is expected to disrupt RECQL4 protein function with a positive predictive value of 80%. In summary, the available evidence is currently insufficient to determine the role of this variant in disease. Therefore, it has been classified as a Variant of Uncertain Significance.

NM_004260.4(RECQL4):c.1819G>A (p.Ala607Thr)

Gene: RECQL4 (RecQ like helicase 4; minus strand). Cytogenetic location: 8q24.3.
Variant type: single nucleotide variant.
Coding change: c.1819G>A on transcript NM_004260.4 (MANE Select); coding-DNA position 1819, G replaced by A.
Protein change: p.Ala607Thr; replaces alanine 607 with threonine.
Molecular consequence: missense variant. On other transcripts: intron variant (3), non-coding transcript variant (3).
Genome position (GRCh38, 1-based): chr8:144,514,248, C>T on the plus strand (G>A on the coding strand, the complement: RECQL4 is on the minus strand). VCF-style: chr8-144514248-C-T. GRCh37 (hg19) VCF-style: chr8-145739632-C-T.
Other names: c.634-18G>A (NM_001413037.1); c.682G>A, p.Ala228Thr (NM_001413027.1, NM_001413030.1, NM_001413032.1 and 1 more transcripts); c.748G>A, p.Ala250Thr (NM_001413028.1, NM_001413034.1, NM_001413035.1 and 6 more transcripts); c.1468G>A, p.Ala490Thr (NM_001413029.1); c.1819G>A, p.Ala607Thr (NM_001413036.1, NM_001413018.1, NM_001413019.1); c.1789G>A, p.Ala597Thr (NM_001413039.1); c.718G>A, p.Ala240Thr (NM_001413042.1); c.352G>A, p.Ala118Thr (NM_001413043.1); and 4 more; short protein forms A490T, A575T, A597T, A228T, A118T, A240T, A564T, A607T.
Identifiers: ClinVar variation 2712626 (VCV002712626.3), dbSNP rs372075714, ClinGen allele CA4948648.